The following is an entry in ClinVar:

ClinVar aggregate classification (germline): Uncertain significance (1 of 4 stars; one submission).

gnomAD v4.1: 2 of 1,606,922 alleles (0.00012%); highest among the groups gnomAD compares: Non-Finnish European, 0.000085%; no homozygotes.

Submission:

Labcorp Genetics (formerly Invitae), Labcorp
Classification: Uncertain significance. Last evaluated: 2025-04-20. Review status: criteria provided, single submitter. Criteria: Invitae Variant Classification Sherloc (09022015). Collection method: clinical testing. Allele origin: germline.
Comment: This sequence change replaces serine, which is neutral and polar, with phenylalanine, which is neutral and non-polar, at codon 1660 of the FOCAD protein (p.Ser1660Phe). This variant is not present in population databases (gnomAD no frequency). This missense change has been observed in individual(s) with early-onset colorectal cancer (PMID: 25712196). Experimental studies and prediction algorithms are not available or were not evaluated, and the functional significance of this variant is currently unknown. In summary, the available evidence is currently insufficient to determine the role of this variant in disease. Therefore, it has been classified as a Variant of Uncertain Significance.

Literature cited by the submitters: PubMed 25712196.

NM_001375567.1(FOCAD):c.4979C>T (p.Ser1660Phe)

Gene: FOCAD (focadhesin; plus strand). Cytogenetic location: 9p21.3.
Variant type: single nucleotide variant.
Coding change: c.4979C>T on transcript NM_001375567.1 (MANE Select); coding-DNA position 4979, C replaced by T.
Protein change: p.Ser1660Phe; replaces serine 1660 with phenylalanine.
Molecular consequence: missense variant.
Genome position (GRCh38, 1-based): chr9:20,988,404, C>T. VCF-style: chr9-20988404-C-T. GRCh37 (hg19) VCF-style: chr9-20988403-C-T.
Other names: c.4874C>T, p.Ser1625Phe (NM_001375568.1, NM_001375570.1); c.4979C>T, p.Ser1660Phe (NM_017794.5); short protein forms S1625F, S1660F.
Identifiers: ClinVar variation 4799583 (VCV004799583.1).